The following is an entry in ClinVar:

NM_001253697.2(ERBIN):c.3228A>G (p.Arg1076=)

Gene: ERBIN (erbb2 interacting protein; plus strand). Cytogenetic location: 5q12.3.
Variant type: single nucleotide variant.
Coding change: c.3228A>G on transcript NM_001253697.2 (MANE Select); coding-DNA position 3228, A replaced by G.
Protein change: p.Arg1076=; no amino-acid change (arginine 1076 retained).
Molecular consequence: synonymous variant.
Genome position (GRCh38, 1-based): chr5:66,054,546, A>G. VCF-style: chr5-66054546-A-G. GRCh37 (hg19) VCF-style: chr5-65350374-A-G.
Other names: p.Arg1076=; c.3228A>G, p.Arg1076= (NM_001006600.3, NM_001253698.2, NM_001253699.2 and 1 more transcripts); c.3216A>G, p.Arg1072= (NM_001253701.2).
Identifiers: ClinVar variation 1169279 (VCV001169279.13), dbSNP rs36303, ClinGen allele CA3286614.

ClinVar aggregate classification (germline): Benign. Review status: criteria provided, multiple submitters, no conflicts (2 of 4 stars). 4 submissions from 4 submitters: Benign (4). Last evaluated 2026-02-04.

Allele frequency attached by ClinVar (database versions not stated): gnomAD exomes 0.15057 and 0.20660; 1000 Genomes Project 0.20966; ESP Exome Variant Server 0.12371; gnomAD 0.15070 and 0.15567; TOPMed 0.16771; ExAC 0.19149; 1000 Genomes Project 30x 0.20456.

Submissions (4):

Labcorp Genetics (formerly Invitae), Labcorp
Classification: Benign. Last evaluated: 2026-02-04. Review status: criteria provided, single submitter. Criteria: Invitae Variant Classification Sherloc (09022015). Collection method: clinical testing. Allele origin: germline.

Unidad de Genómica Garrahan, Hospital de Pediatría Garrahan
Classification: Benign. Last evaluated: 2024-01-24. Review status: criteria provided, single submitter. Criteria: ACMG Guidelines, 2015. Collection method: clinical testing. Allele origin: germline. Affected: no. Observed: 44 variant alleles.
Comment: This variant is classified as Benign based on local population frequency. This variant was detected in 50% of patients studied by a panel of primary immunodeficiencies. Number of patients: 44. Only high quality variants are reported.

Mayo Clinic Laboratories, Mayo Clinic
Classification: Benign. Last evaluated: 2022-09-06. Review status: criteria provided, single submitter. Criteria: ACMG Guidelines, 2015. Collection method: clinical testing. Allele origin: germline. Observed: 43 variant alleles.

Breakthrough Genomics
Classification: Benign. Review status: criteria provided, single submitter. Criteria: ACMG Guidelines, 2015. Collection method: not provided. Allele origin: germline. Inheritance: Unknown mechanism. Affected: yes.